The following is an entry in ClinVar:

ClinVar aggregate classification (germline): Likely benign. Review status: reviewed by expert panel (3 of 4 stars). 24 submissions from 22 submitters: Likely benign (1). 23 of the submissions do not count toward it. Last evaluated 2025-11-11.

Conditions:
MYH7-related disorder. Also called: MYH7-related condition; MYH7-related disease; MYH7-related disorders.
Myosin storage myopathy (CMYO7A). Also called: MYOPATHY WITH LYSIS OF TYPE I MYOFIBRILS; MYOPATHY, HYALINE BODY, AUTOSOMAL DOMINANT; SCAPULOPERONEAL MUSCULAR DYSTROPHY; SCAPULOPERONEAL SYNDROME, MYOPATHIC TYPE; MYH7-related late-onset scapuloperoneal muscular dystrophy; Congenital myopathy 7A, myosin storage, autosomal dominant. Identifiers: Orphanet 437572, Orphanet 636965, MedGen C1842160, MONDO:0008409, OMIM 608358.
Cardiovascular phenotype. Identifiers: MedGen CN230736.
Cardiomyopathy (CMYO). Also called: Cardiomyopathies. Identifiers: Orphanet 167848, MedGen C0878544, MONDO:0004994, HP:0001638. Inheritance: Various modes of inheritance.
Hypertrophic cardiomyopathy 1 (CMH1). Also called: Familial hypertrophic cardiomyopathy 1; MYH7-Related Familial Hypertrophic Cardiomyopathy. Identifiers: MedGen C3495498, MONDO:0008647, OMIM 192600.
Dilated cardiomyopathy 1S (CMD1S). Identifiers: Orphanet 154, Orphanet 54260, MedGen C1834481, MONDO:0013262, OMIM 613426.
MYH7-related skeletal myopathy. Also called: Myopathy, distal, 1; Laing distal myopathy; MYOPATHY, DISTAL, EARLY-ONSET, AUTOSOMAL DOMINANT; MYOPATHY, LATE DISTAL HEREDITARY; Laing early-onset distal myopathy. Identifiers: Orphanet 59135, MedGen C4552004, MONDO:0008050, OMIM 160500.
Primary dilated cardiomyopathy (DCM). Also called: Dilated Cardiomyopathy. Identifiers: Orphanet 217604, MedGen C0007193, MeSH D002311, MONDO:0005021, HP:0001644. Inheritance: Various modes of inheritance.
Hypertrophic cardiomyopathy. Also called: HYPERTROPHIC MYOCARDIOPATHY. Identifiers: Orphanet 217569, MedGen C0007194, MeSH D002312, MONDO:0005045, HP:0001639.

Allele frequency attached by ClinVar (database versions not stated): gnomAD exomes 0.00015 and 0.00012; ExAC 0.00016; TOPMed 0.00011; gnomAD 0.00013; ESP Exome Variant Server 0.00015.
gnomAD v4.1: 200 of 1,612,708 alleles (0.012%); highest among the groups gnomAD compares: Non-Finnish European, 0.016%; no homozygotes.

Submissions 1 to 8 of 24:

ClinGen Cardiomyopathy Variant Curation Expert Panel
Classification: Likely benign for Hypertrophic cardiomyopathy. Last evaluated: 2025-11-11. Review status: reviewed by expert panel. Criteria: ClinGen CMP ACMG Specifications v1. Collection method: curation. Allele origin: germline. Inheritance: Autosomal dominant inheritance.
Comment: The c.3286G>T (p.Asp1096Tyr) variant in MYH7 has been identified in 0.023% (FAF 95% CI; 40/129162) of European chromosomes in gnomAD v2.1.1, which is a high enough frequency to be classified as likely benign based on thresholds defined by the ClinGen Inherited Cardiomyopathy Expert Panel (BS1; Kelly 2018 PMID:29300372). Allowing a variant to reach a likely benign classification based on BS1 alone represents a revision of the original ACMG/AMP framework by ClinGen’s Sequence Variant Interpretation Working Group (Tavtigian 2018 PMID: 29300386). Additionally, while computational prediction tools and conservation analysis suggest that this variant may impact the protein (PP3), this pathogenic evidence code (PP3) was not considered to be in conflict with a likely benign conclusion given the accuracy of computation prediction tools. In summary, this variant meets criteria to be classified as likely benign for cardiomyopathy in an autosomal dominant manner. MYH7-specific ACMG/AMP criteria applied (Kelly 2018 PMID:29300372): PP3, BS1

CeGaT Center for Human Genetics Tuebingen
Classification: Uncertain significance. Last evaluated: 2026-06-01. Review status: criteria provided, single submitter. Criteria: CeGaT Center For Human Genetics Tuebingen Variant Classification Criteria Version 2. Collection method: clinical testing. Allele origin: germline. Affected: yes. Observed: 4 variant alleles. Not counted in ClinVar's aggregate classification.
Comment: MYH7: PM2, PP3

Women's Health and Genetics/Laboratory Corporation of America, LabCorp
Classification: Uncertain significance. Last evaluated: 2026-04-30. Review status: criteria provided, single submitter. Criteria: LabCorp Variant Classification Summary - May 2015. Collection method: clinical testing. Allele origin: germline. Not counted in ClinVar's aggregate classification.
Comment: Variant summary: MYH7 c.3286G>T (p.Asp1096Tyr) results in a non-conservative amino acid change in the encoded protein sequence. Algorithms developed to predict the effect of missense changes on protein structure and function all suggest that this variant is likely to be disruptive. The variant allele was found at a frequency of 0.00015 in 251448 control chromosomes. This frequency is not significantly higher than estimated for disease-causing variants in MYH7, allowing no conclusion about variant significance. c.3286G>T has been observed in individual(s) affected with Dilated Cardiomyopathy and related conditions (e.g. Andreasen_2013, Hershberger_2008, Homburger_2016, McGurk_2023) without evidence for causality. These report(s) do not provide unequivocal conclusions about association of the variant with Dilated Cardiomyopathy. To our knowledge, no experimental evidence demonstrating an impact on protein function has been reported. The following publications have been ascertained in the context of this evaluation (PMID: 23299917, 19412328, 27247418, 37652022). ClinVar contains an entry for this variant (Variation ID: 42953). Based on the evidence outlined above, the variant was classified as uncertain significance.

PreventionGenetics, part of Exact Sciences
Classification: Likely benign for MYH7-related condition. Last evaluated: 2026-03-30. Review status: criteria provided, single submitter. Criteria: ACMG Guidelines, 2015. Collection method: clinical testing. Allele origin: germline. Not counted in ClinVar's aggregate classification.
Comment: This variant is classified as likely benign based on ACMG/AMP sequence variant interpretation guidelines (Richards et al. 2015 PMID: 25741868, with internal and published modifications).

Labcorp Genetics (formerly Invitae), Labcorp
Classification: Uncertain significance for Hypertrophic cardiomyopathy. Last evaluated: 2026-01-13. Review status: criteria provided, single submitter. Criteria: Invitae Variant Classification Sherloc (09022015). Collection method: clinical testing. Allele origin: germline. Not counted in ClinVar's aggregate classification.
Comment: This sequence change replaces aspartic acid, which is acidic and polar, with tyrosine, which is neutral and polar, at codon 1096 of the MYH7 protein (p.Asp1096Tyr). This variant is present in population databases (rs45478699, gnomAD 0.03%). This missense change has been observed in individual(s) with cardiomyopathy (PMID: 19412328, 25031304, 25163446, 27247418, 28798025, 29300372, 37652022). ClinVar contains an entry for this variant (Variation ID: 42953). Invitae Evidence Modeling of protein sequence and biophysical properties (such as structural, functional, and spatial information, amino acid conservation, physicochemical variation, residue mobility, and thermodynamic stability) indicates that this missense variant is expected to disrupt MYH7 protein function with a positive predictive value of 95%. In summary, the available evidence is currently insufficient to determine the role of this variant in disease. Therefore, it has been classified as a Variant of Uncertain Significance.

Color Diagnostics, LLC DBA Color Health
Classification: Uncertain significance for Cardiomyopathy. Last evaluated: 2025-11-20. Review status: criteria provided, single submitter. Criteria: ACMG Guidelines, 2015. Collection method: clinical testing. Allele origin: germline. Not counted in ClinVar's aggregate classification.
Comment: This missense variant replaces aspartic acid with tyrosine at codon 1096 of the MYH7 protein. Computational prediction suggests that this variant may have deleterious impact on protein structure and function. To our knowledge, functional studies have not been reported for this variant. This variant has been reported in several individuals affected with cardiomyopathy (PMID: 19412328, 27247418, 25031304, 32659924, 32746648, 32880476). This variant has been identified in 200/1612708 chromosomes in the general population by the Genome Aggregation Database (gnomAD). Although the variant allele frequency is greater than expected for MYH7-related disorders based on prevalence, penetrance, and allelic heterogeneity, the available evidence is insufficient to determine the role of this variant in disease conclusively. Therefore, this variant is classified as a Variant of Uncertain Significance.

Revvity Omics, Revvity
Classification: Likely benign. Last evaluated: 2025-03-18. Review status: criteria provided, single submitter. Criteria: ACMG Guidelines, 2015. Collection method: clinical testing. Allele origin: germline. Not counted in ClinVar's aggregate classification.

Blueprint Genetics
Classification: Uncertain significance. Last evaluated: 2024-11-19. Review status: criteria provided, single submitter. Criteria: ACMG Guidelines, 2015. Collection method: clinical testing. Allele origin: germline. Not counted in ClinVar's aggregate classification.

NM_000257.4(MYH7):c.3286G>T (p.Asp1096Tyr)

Gene: MYH7 (myosin heavy chain 7; minus strand). Cytogenetic location: 14q11.2.
Variant type: single nucleotide variant.
Coding change: c.3286G>T on transcript NM_000257.4 (MANE Select); coding-DNA position 3286, G replaced by T.
Protein change: p.Asp1096Tyr; replaces aspartic acid 1096 with tyrosine.
Molecular consequence: missense variant.
Genome position (GRCh38, 1-based): chr14:23,421,008, C>A on the plus strand (G>T on the coding strand, the complement: MYH7 is on the minus strand). VCF-style: chr14-23421008-C-A. GRCh37 (hg19) VCF-style: chr14-23890217-C-A.
Other names: NM_000257.3(MYH7):c.3286G>T; short protein forms D1096Y.
Identifiers: ClinVar variation 42953 (VCV000042953.87), dbSNP rs45478699, ClinGen allele CA013546.
Genomic context (GRCh38, chr14:23,421,008, plus strand): 5'-CAGACCTCACCTGAAGCTCCTTGAGCTTCTTCTGCAGCTGGCTGCCGAGGGCCTGTTCAT[C>A]CTCAATCCTTGCGTTGAGAGCATTCAGCTCAAAGTCTTTTCTGTGGGGAAGGAGGGATGG-3'
Protein context (NP_000248.2, residues 1086-1106): ELNALNARIE[Asp1096Tyr]EQALGSQLQK